The following is an entry in ClinVar:

NM_012431.3(SEMA3E):c.623G>A (p.Arg208Gln)

Gene: SEMA3E (semaphorin 3E; minus strand). Cytogenetic location: 7q21.11.
Variant type: single nucleotide variant.
Coding change: c.623G>A on transcript NM_012431.3 (MANE Select); coding-DNA position 623, G replaced by A.
Protein change: p.Arg208Gln; replaces arginine 208 with glutamine.
Molecular consequence: missense variant.
Genome position (GRCh38, 1-based): chr7:83,408,415, C>T on the plus strand (G>A on the coding strand, the complement: SEMA3E is on the minus strand). VCF-style: chr7-83408415-C-T. GRCh37 (hg19) VCF-style: chr7-83037731-C-T.
Other names: c.443G>A, p.Arg148Gln (NM_001178129.2); short protein forms R208Q, R148Q.
Identifiers: ClinVar variation 4992965 (VCV004992965.1).

ClinVar aggregate classification (germline): Uncertain significance (1 of 4 stars; one submission).

Conditions:
SEMA3E-related disorder. Also called: SEMA3E-related condition.

gnomAD v4.1: 7 of 1,613,618 alleles (0.00043%); highest among the groups gnomAD compares: South Asian, 0.0044%; no homozygotes.

Submission:

PreventionGenetics, part of Exact Sciences
Classification: Uncertain significance for SEMA3E-related condition. Last evaluated: 2026-02-24. Review status: criteria provided, single submitter. Criteria: ACMG Guidelines, 2015. Collection method: clinical testing. Allele origin: germline.
Comment: The SEMA3E c.623G>A variant is predicted to result in the amino acid substitution p.Arg208Gln. To our knowledge, this variant has not been reported in the literature. This variant is reported in 0.0065% of alleles in individuals of South Asian descent in gnomAD. At this time, the clinical significance of this variant is uncertain due to the absence of conclusive functional and genetic evidence.